The following is an entry in ClinVar:

ClinVar aggregate classification (germline): Benign/Likely benign. Review status: criteria provided, multiple submitters, no conflicts (2 of 4 stars). 9 submissions from 9 submitters: Benign (6); Likely benign (1). 2 of the submissions do not count toward it. Last evaluated 2026-09-01.

Conditions:
Epidermolysis bullosa simplex, Ogna type (EBS5A). Also called: Pidermolysis bullosa simplex 5A, Ogna type; EPIDERMOLYSIS BULLOSA SIMPLEX 5A, OGNA TYPE. Identifiers: Orphanet 79401, MedGen C0432317, MONDO:0007555, OMIM 131950.
Epidermolysis bullosa simplex 5C, with pyloric atresia (EBS5C). Also called: PLEC1-Related Epidermolysis Bullosa with Pyloric Atresia; PLEC-Related Epidermolysis Bullosa with Pyloric Atresia; Epidermolysis bullosa simplex with pyloric atresia. Identifiers: Orphanet 158684, MedGen C2677349, MONDO:0012807, OMIM 612138.
Epidermolysis bullosa simplex 5B, with muscular dystrophy (EBS5B). Also called: Epidermolysis bullosa simplex with muscular dystrophy; EPIDERMOLYSIS BULLOSA SIMPLEX AND LIMB-GIRDLE MUSCULAR DYSTROPHY. Identifiers: Orphanet 257, MedGen C2931072, MONDO:0009181, OMIM 226670.
Epidermolysis bullosa simplex with nail dystrophy (EBS5D). Identifiers: MedGen C4225309, MONDO:0014661, OMIM 616487.
Autosomal recessive limb-girdle muscular dystrophy type 2Q (LGMDR17). Also called: MUSCULAR DYSTROPHY, LIMB-GIRDLE, AUTOSOMAL RECESSIVE 17. Identifiers: Orphanet 254361, MedGen C3150989, MONDO:0013390, OMIM 613723.

Allele frequency attached by ClinVar (database versions not stated): 1000 Genomes Project 30x 0.00390; 1000 Genomes Project 0.00419; ESP Exome Variant Server 0.00425; gnomAD 0.00513 and 0.00518; gnomAD exomes 0.00538 and 0.00631; TOPMed 0.00552; ExAC 0.00979.
gnomAD v4.1: 8,722 of 1,596,348 alleles (0.55%); highest among the groups gnomAD compares: Middle Eastern, 3.8%; 54 homozygotes.

Submissions (9):

CeGaT Center for Human Genetics Tuebingen
Classification: Likely benign. Last evaluated: 2026-09-01. Review status: criteria provided, single submitter. Criteria: CeGaT Center For Human Genetics Tuebingen Variant Classification Criteria Version 2. Collection method: clinical testing. Allele origin: germline. Affected: yes. Observed: 29 variant alleles.
Comment: PLEC: BP4, BP7, BS2

Labcorp Genetics (formerly Invitae), Labcorp
Classification: Benign for Autosomal recessive limb-girdle muscular dystrophy type 2Q; Epidermolysis bullosa simplex, Ogna type; Epidermolysis bullosa simplex with nail dystrophy; Epidermolysis bullosa simplex 5C, with pyloric atresia; Epidermolysis bullosa simplex 5B, with muscular dystrophy. Last evaluated: 2026-02-01. Review status: criteria provided, single submitter. Criteria: Invitae Variant Classification Sherloc (09022015). Collection method: clinical testing. Allele origin: germline.

Athena Diagnostics
Classification: Benign. Last evaluated: 2024-05-07. Review status: criteria provided, single submitter. Criteria: Athena Diagnostics Criteria. Collection method: clinical testing. Allele origin: unknown.

Mayo Clinic Laboratories, Mayo Clinic
Classification: Benign. Last evaluated: 2022-12-23. Review status: criteria provided, single submitter. Criteria: ACMG Guidelines, 2015. Collection method: clinical testing. Allele origin: germline. Observed: 23 variant alleles.

GeneDx
Classification: Benign. Last evaluated: 2016-12-13. Review status: criteria provided, single submitter. Criteria: GeneDx Variant Classification (06012015). Collection method: clinical testing. Allele origin: germline. Affected: yes.
Comment: This variant is considered likely benign or benign based on one or more of the following criteria: it is a conservative change, it occurs at a poorly conserved position in the protein, it is predicted to be benign by multiple in silico algorithms, and/or has population frequency not consistent with disease.

Eurofins Ntd Llc (ga)
Classification: Benign. Last evaluated: 2015-07-02. Review status: criteria provided, single submitter. Criteria: EGL Classification Definitions 2015. Collection method: clinical testing. Allele origin: germline. Observed: 2 variant alleles, 2 heterozygotes.

Breakthrough Genomics
Classification: Benign. Review status: criteria provided, single submitter. Criteria: ACMG Guidelines, 2015. Collection method: not provided. Allele origin: germline. Inheritance: Autosomal recessive inheritance. Affected: yes.

Diagnostic Laboratory, Department of Genetics, University Medical Center Groningen
Classification: Likely benign. Review status: no assertion criteria provided. Collection method: clinical testing. Allele origin: germline. Affected: yes. Study: VKGL Data-share Consensus. Not counted in ClinVar's aggregate classification.

Laboratory of Diagnostic Genome Analysis, Leiden University Medical Center (LUMC)
Classification: Likely benign. Review status: no assertion criteria provided. Collection method: clinical testing. Allele origin: germline. Affected: yes. Study: VKGL Data-share Consensus. Not counted in ClinVar's aggregate classification.

NM_201384.3(PLEC):c.3351C>T (p.Ala1117=)

Gene: PLEC (plectin; minus strand). Cytogenetic location: 8q24.3.
Variant type: single nucleotide variant.
Coding change: c.3351C>T on transcript NM_201384.3 (MANE Select); coding-DNA position 3351, C replaced by T.
Protein change: p.Ala1117=; no amino-acid change (alanine 1117 retained).
Molecular consequence: synonymous variant.
Genome position (GRCh38, 1-based): chr8:143,927,902, G>A on the plus strand (C>T on the coding strand, the complement: PLEC is on the minus strand). VCF-style: chr8-143927902-G-A. GRCh37 (hg19) VCF-style: chr8-145002070-G-A.
Other names: p.Ala1103=; c.3432C>T, p.Ala1144= (NM_000445.5); c.3309C>T, p.Ala1103= (NM_201378.4); c.3285C>T, p.Ala1095= (NM_201379.3); c.3762C>T, p.Ala1254= (NM_201380.4); c.3255C>T, p.Ala1085= (NM_201381.3); c.3351C>T, p.Ala1117= (NM_201382.4); c.3363C>T, p.Ala1121= (NM_201383.3).
Identifiers: ClinVar variation 93042 (VCV000093042.48), dbSNP rs145376880, ClinGen allele CA146317.
Genomic context (GRCh38, chr8:143,927,902, plus strand): 5'-TCGAAACGATACCTTCAGAGAGGCCTTGGTGGCCTCGAGCTCCGGGAGGGTGGCCGGCAC[G>A]GCCTGGGCCTCCTTGAGCTGCTCCTCGTGGGCCCTGAGCACCTCCTCGGCCCCCTGCGTG-3'
Protein context (NP_958786.1, residues 1107-1127): AHEEQLKEAQ[Ala1117=]VPATLPELEA